The following is an entry in ClinVar:

NM_005876.5(SPEG):c.7957G>A (p.Gly2653Ser)

Genes: ASIC4-AS1 (ASIC4 antisense RNA 1; minus strand), SPEG (striated muscle enriched protein kinase; plus strand). Cytogenetic location: 2q35.
Variant type: single nucleotide variant.
Coding change: c.7957G>A on transcript NM_005876.5 (MANE Select); coding-DNA position 7957, G replaced by A.
Protein change: p.Gly2653Ser; replaces glycine 2653 with serine.
Molecular consequence: missense variant.
Genome position (GRCh38, 1-based): chr2:219,488,596, G>A. VCF-style: chr2-219488596-G-A. GRCh37 (hg19) VCF-style: chr2-220353318-G-A.
Other names: short protein forms G2653S.
Identifiers: ClinVar variation 3800598 (VCV003800598.2).

ClinVar aggregate classification (germline): Uncertain significance. Review status: criteria provided, multiple submitters, no conflicts (2 of 4 stars). 2 submissions from 2 submitters: Uncertain significance (2). Last evaluated 2026-04-06.

Conditions:
Inborn genetic diseases. Identifiers: MedGen C0950123, MeSH D030342.

gnomAD v4.1: 2 of 1,612,258 alleles (0.00012%); highest among the groups gnomAD compares: East Asian, 0.0022%; no homozygotes.

Submissions (2):

GeneDx
Classification: Uncertain significance. Last evaluated: 2026-04-06. Review status: criteria provided, single submitter. Criteria: GeneDx Variant Classification Process June 2021. Collection method: clinical testing. Allele origin: germline.
Comment: Not observed at significant frequency in large population cohorts (gnomAD); In silico analysis supports that this missense variant has a deleterious effect on protein structure/function; Has not been previously published as pathogenic or benign to our knowledge

Ambry Genetics
Classification: Uncertain significance for Inborn genetic diseases. Last evaluated: 2024-12-28. Review status: criteria provided, single submitter. Criteria: Ambry Variant Classification Scheme 2023. Collection method: clinical testing. Allele origin: germline.